The following is an entry in ClinVar:

ClinVar aggregate classification (germline): Uncertain significance (1 of 4 stars; one submission).

Conditions:
Autosomal dominant nocturnal frontal lobe epilepsy 5. Also called: KCNT1-Related Epilepsy; CILIARY DYSKINESIA, PRIMARY, 28, WITHOUT SITUS INVERSUS; CILIARY DYSKINESIA, PRIMARY, 28, WITH SITUS INVERSUS; Epilepsy, nocturnal frontal lobe, 5. Identifiers: Orphanet 98784, MedGen C3554306, MONDO:0014002, OMIM 615005.
Developmental and epileptic encephalopathy, 14 (DEE14). Also called: Early infantile epileptic encephalopathy 14. Identifiers: Orphanet 293181, MedGen C3554195, MONDO:0013989, OMIM 614959.

gnomAD v4.1: 1 of 1,556,898 alleles (0.000064%); highest among the groups gnomAD compares: Non-Finnish European, 0.000087%; no homozygotes.

Submission:

Labcorp Genetics (formerly Invitae), Labcorp
Classification: Uncertain significance for Autosomal dominant nocturnal frontal lobe epilepsy 5; Developmental and epileptic encephalopathy, 14. Last evaluated: 2025-01-10. Review status: criteria provided, single submitter. Criteria: Invitae Variant Classification Sherloc (09022015). Collection method: clinical testing. Allele origin: germline.
Comment: This sequence change replaces alanine, which is neutral and non-polar, with threonine, which is neutral and polar, at codon 525 of the KCNT1 protein (p.Ala525Thr). This variant is not present in population databases (gnomAD no frequency). This variant has not been reported in the literature in individuals affected with KCNT1-related conditions. Invitae Evidence Modeling of protein sequence and biophysical properties (such as structural, functional, and spatial information, amino acid conservation, physicochemical variation, residue mobility, and thermodynamic stability) has been performed for this missense variant. However, the output from this modeling did not meet the statistical confidence thresholds required to predict the impact of this variant on KCNT1 protein function. In summary, the available evidence is currently insufficient to determine the role of this variant in disease. Therefore, it has been classified as a Variant of Uncertain Significance.

NM_020822.3(KCNT1):c.1573G>A (p.Ala525Thr)

Gene: KCNT1 (potassium sodium-activated channel subfamily T member 1; plus strand). Cytogenetic location: 9q34.3.
Variant type: single nucleotide variant.
Coding change: c.1573G>A on transcript NM_020822.3 (MANE Select); coding-DNA position 1573, G replaced by A.
Protein change: p.Ala525Thr; replaces alanine 525 with threonine.
Molecular consequence: missense variant.
Genome position (GRCh38, 1-based): chr9:135,770,009, G>A. VCF-style: chr9-135770009-G-A. GRCh37 (hg19) VCF-style: chr9-138661855-G-A.
Other names: c.1438G>A, p.Ala480Thr (NM_001272003.2); short protein forms A480T, A525T.
Identifiers: ClinVar variation 3758200 (VCV003758200.2).